The following is an entry in ClinVar:

ClinVar aggregate classification (germline): Uncertain significance (1 of 4 stars; one submission).

Allele frequency attached by ClinVar (database versions not stated): TOPMed 0.00001.
gnomAD v4.1: 29 of 1,613,602 alleles (0.0018%); highest among the groups gnomAD compares: Non-Finnish European, 0.0023%; no homozygotes.

Submission:

Labcorp Genetics (formerly Invitae), Labcorp
Classification: Uncertain significance. Last evaluated: 2022-04-04. Review status: criteria provided, single submitter. Criteria: Invitae Variant Classification Sherloc (09022015). Collection method: clinical testing. Allele origin: germline.
Comment: This sequence change replaces aspartic acid, which is acidic and polar, with glutamic acid, which is acidic and polar, at codon 62 of the BMP1 protein (p.Asp62Glu). This variant is present in population databases (rs750943467, gnomAD 0.0008%). This variant has not been reported in the literature in individuals affected with BMP1-related conditions. Algorithms developed to predict the effect of missense changes on protein structure and function are either unavailable or do not agree on the potential impact of this missense change (SIFT: "Deleterious"; PolyPhen-2: "Benign"; Align-GVGD: "Class C35"). In summary, the available evidence is currently insufficient to determine the role of this variant in disease. Therefore, it has been classified as a Variant of Uncertain Significance.

NM_006129.5(BMP1):c.186C>A (p.Asp62Glu)

Gene: BMP1 (bone morphogenetic protein 1; plus strand). Cytogenetic location: 8p21.3.
Variant type: single nucleotide variant.
Coding change: c.186C>A on transcript NM_006129.5 (MANE Select); coding-DNA position 186, C replaced by A.
Protein change: p.Asp62Glu; replaces aspartic acid 62 with glutamic acid.
Molecular consequence: missense variant. On other transcripts: non-coding transcript variant (2).
Genome position (GRCh38, 1-based): chr8:22,173,639, C>A. VCF-style: chr8-22173639-C-A. GRCh37 (hg19) VCF-style: chr8-22031152-C-A.
Other names: c.186C>A, p.Asp62Glu (NM_001199.4); short protein forms D62E.
Identifiers: ClinVar variation 2419047 (VCV002419047.3), dbSNP rs750943467, ClinGen allele CA4664185.